The following is an entry in ClinVar:

ClinVar aggregate classification (germline): Conflicting classifications of pathogenicity. Review status: criteria provided, conflicting classifications (1 of 4 stars). 3 submissions from 3 submitters: Uncertain significance (2); Likely benign (1). Last evaluated 2024-11-05.

Conditions:
Basal cell carcinoma, susceptibility to, 1. Also called: BCC1. Identifiers: MedGen C2751544, MONDO:0011556, OMIM 605462.
Gorlin syndrome. Also called: Nevoid Basal Cell Carcinoma Syndrome; Basal cell nevus syndrome. Identifiers: Orphanet 377, MedGen C0004779, MONDO:0007187.
Hereditary cancer-predisposing syndrome. Also called: Hereditary neoplastic syndrome; Neoplastic Syndromes, Hereditary; Tumor predisposition; Hereditary Cancer Syndrome. Identifiers: Orphanet 140162, MedGen C0027672, MeSH D009386, MONDO:0015356.

Allele frequency attached by ClinVar (database versions not stated): gnomAD exomes below 0.00001; gnomAD 0.00001.
gnomAD v4.1: 9 of 1,614,084 alleles (0.00056%); highest among the groups gnomAD compares: Admixed American, 0.0033%; no homozygotes.

Submissions (3):

Labcorp Genetics (formerly Invitae), Labcorp
Classification: Likely benign for Gorlin syndrome. Last evaluated: 2024-11-05. Review status: criteria provided, single submitter. Criteria: Invitae Variant Classification Sherloc (09022015). Collection method: clinical testing. Allele origin: germline.

Ambry Genetics
Classification: Uncertain significance for Hereditary cancer-predisposing syndrome. Last evaluated: 2024-08-12. Review status: criteria provided, single submitter. Criteria: Ambry Variant Classification Scheme 2023. Collection method: clinical testing. Allele origin: germline.
Comment: The p.P1250S variant (also known as c.3748C>T), located in coding exon 22 of the PTCH1 gene, results from a C to T substitution at nucleotide position 3748. The proline at codon 1250 is replaced by serine, an amino acid with similar properties. This amino acid position is well conserved in available vertebrate species. In addition, this alteration is predicted to be tolerated by in silico analysis. Since supporting evidence is limited at this time, the clinical significance of this alteration remains unclear.

Baylor Genetics
Classification: Uncertain significance for Basal cell carcinoma, susceptibility to, 1. Last evaluated: 2023-07-24. Review status: criteria provided, single submitter. Criteria: ACMG Guidelines, 2015. Collection method: clinical testing. Allele origin: unknown.

NM_000264.5(PTCH1):c.3748C>T (p.Pro1250Ser)

Gene: PTCH1 (patched 1; minus strand). Cytogenetic location: 9q22.32.
Variant type: single nucleotide variant.
Coding change: c.3748C>T on transcript NM_000264.5 (MANE Select); coding-DNA position 3748, C replaced by T.
Protein change: p.Pro1250Ser; replaces proline 1250 with serine.
Molecular consequence: missense variant. On other transcripts: non-coding transcript variant (1).
Genome position (GRCh38, 1-based): chr9:95,449,125, G>A on the plus strand (C>T on the coding strand, the complement: PTCH1 is on the minus strand). VCF-style: chr9-95449125-G-A. GRCh37 (hg19) VCF-style: chr9-98211407-G-A.
Other names: c.3550C>T, p.Pro1184Ser (NM_001083602.3); c.3745C>T, p.Pro1249Ser (NM_001083603.3); c.3295C>T, p.Pro1099Ser (NM_001083604.3, NM_001083605.3, NM_001083606.3 and 1 more transcripts); c.3592C>T, p.Pro1198Ser (NM_001354918.2); short protein forms P1250S, P1184S, P1198S, P1249S, P1099S.
Identifiers: ClinVar variation 409131 (VCV000409131.16), dbSNP rs1060502265, ClinGen allele CA16612650.